The following is an entry in ClinVar:

NM_001190737.2(NFIB):c.1196T>C (p.Leu399Pro)

Gene: NFIB (nuclear factor I B; minus strand). Cytogenetic location: 9p23.
Variant type: single nucleotide variant.
Coding change: c.1196T>C on transcript NM_001190737.2 (MANE Select); coding-DNA position 1196, T replaced by C.
Protein change: p.Leu399Pro; replaces leucine 399 with proline.
Molecular consequence: missense variant. On other transcripts: non-coding transcript variant (4).
Genome position (GRCh38, 1-based): chr9:14,120,489, A>G on the plus strand (T>C on the coding strand, the complement: NFIB is on the minus strand). VCF-style: chr9-14120489-A-G. GRCh37 (hg19) VCF-style: chr9-14120488-A-G.
Other names: c.1196T>C, p.Leu399Pro (NM_001369464.1, NM_001369461.1, NM_001429577.1 and 1 more transcripts); c.1169T>C, p.Leu390Pro (NM_001369465.1, NM_001369467.1, NM_001369476.1); c.1184T>C, p.Leu395Pro (NM_001369466.1, NM_001369472.1, NM_001369460.1 and 1 more transcripts); c.1262T>C, p.Leu421Pro (NM_001369468.1, NM_001369458.1, NM_001369459.1 and 1 more transcripts); c.1052T>C, p.Leu351Pro (NM_001369469.1); c.959T>C, p.Leu320Pro (NM_001369470.1, NM_001369478.1); c.1193T>C, p.Leu398Pro (NM_001369471.1); c.1274T>C, p.Leu425Pro (NM_001190738.2); and 6 more; short protein forms L147P, L220P, L320P, L324P, L351P, L380P, L390P, L393P.
Identifiers: ClinVar variation 4888127 (VCV004888127.1).
Genomic context (GRCh38, chr9:14,120,489, plus strand): 5'-CTTATTTTTACCTGGCTGGTTTGTGGACTGGATGGGTCATAAGAAGGTACATAGTTCTTC[A>G]GAGTATCCTGAGGATTCAGGTGGGGAGGATATCTGATTGTTGGATGAGAAAAGTAGCTCG-3'
Protein context (NP_001177666.1, residues 389-409): YPPHLNPQDT[Leu399Pro]KNYVPSYDPS

ClinVar aggregate classification (germline): Uncertain significance (1 of 4 stars; one submission).

Submission:

GeneDx
Classification: Uncertain significance. Last evaluated: 2026-02-27. Review status: criteria provided, single submitter. Criteria: GeneDx Variant Classification Process June 2021. Collection method: clinical testing. Allele origin: germline.
Comment: Not observed at significant frequency in large population cohorts (gnomAD); In silico analysis supports that this missense variant has a deleterious effect on protein structure/function; Has not been previously published as pathogenic or benign to our knowledge